The following is an entry in ClinVar:

ClinVar aggregate classification (germline): Uncertain significance (1 of 4 stars; one submission).

Allele frequency attached by ClinVar (database versions not stated): gnomAD exomes below 0.00001.
gnomAD v4.1: 2 of 1,196,737 alleles (0.00017%); highest among the groups gnomAD compares: Non-Finnish European, 0.00022%; no homozygotes.

Submission:

GeneDx
Classification: Uncertain significance. Last evaluated: 2024-08-06. Review status: criteria provided, single submitter. Criteria: GeneDx Variant Classification Process June 2021. Collection method: clinical testing. Allele origin: germline. Affected: yes.
Comment: Not observed at significant frequency in large population cohorts (gnomAD); In silico analysis indicates that this missense variant does not alter protein structure/function; Has not been previously published as pathogenic or benign to our knowledge

NM_001184880.2(PCDH19):c.59C>T (p.Ala20Val)

Gene: PCDH19 (protocadherin 19; minus strand). Cytogenetic location: Xq22.1.
Variant type: single nucleotide variant.
Coding change: c.59C>T on transcript NM_001184880.2 (MANE Select); coding-DNA position 59, C replaced by T.
Protein change: p.Ala20Val; replaces alanine 20 with valine.
Molecular consequence: missense variant.
Genome position (GRCh38, 1-based): chrX:100,408,539, G>A on the plus strand (C>T on the coding strand, the complement: PCDH19 is on the minus strand). VCF-style: chrX-100408539-G-A. GRCh37 (hg19) VCF-style: chrX-99663537-G-A.
Other names: c.59C>T, p.Ala20Val (NM_001105243.2, NM_020766.3); short protein forms A20V.
Identifiers: ClinVar variation 2582029 (VCV002582029.2), dbSNP rs2520999260, ClinGen allele CA414011465.